The following is an entry in ClinVar:

ClinVar aggregate classification (germline): Uncertain significance. Review status: criteria provided, single submitter (1 of 4 stars). 2 submissions from 2 submitters: Uncertain significance (1). 1 of the submissions does not count toward it. Last evaluated 2025-08-11.

Conditions:
Atrial septal defect 5 (ASD5). Identifiers: Orphanet 1478, MedGen C2748552, MONDO:0013011, OMIM 612794.
Dilated cardiomyopathy 1R (CMD1R). Identifiers: Orphanet 154, Orphanet 54260, MedGen C3150681, MONDO:0013261, OMIM 613424.
Hypertrophic cardiomyopathy 11. Also called: ACTC1-Related Familial Hypertrophic Cardiomyopathy. Identifiers: MedGen C2677506, MONDO:0012799, OMIM 612098.
Hypertrophic cardiomyopathy. Also called: HYPERTROPHIC MYOCARDIOPATHY. Identifiers: Orphanet 217569, MedGen C0007194, MeSH D002312, MONDO:0005045, HP:0001639.

Submissions (2):

Labcorp Genetics (formerly Invitae), Labcorp
Classification: Uncertain significance for Dilated cardiomyopathy 1R; Hypertrophic cardiomyopathy 11; Atrial septal defect 5. Last evaluated: 2025-08-11. Review status: criteria provided, single submitter. Criteria: Invitae Variant Classification Sherloc (09022015). Collection method: clinical testing. Allele origin: germline.
Comment: This sequence change replaces tyrosine, which is neutral and polar, with asparagine, which is neutral and polar, at codon 308 of the ACTC1 protein (p.Tyr308Asn). This variant is not present in population databases (gnomAD no frequency). This variant has not been reported in the literature in individuals affected with ACTC1-related conditions. ClinVar contains an entry for this variant (Variation ID: 560608). Invitae Evidence Modeling of protein sequence and biophysical properties (such as structural, functional, and spatial information, amino acid conservation, physicochemical variation, residue mobility, and thermodynamic stability) has been performed for this missense variant. However, the output from this modeling did not meet the statistical confidence thresholds required to predict the impact of this variant on ACTC1 protein function. In summary, the available evidence is currently insufficient to determine the role of this variant in disease. Therefore, it has been classified as a Variant of Uncertain Significance.

Clinical Molecular Genetics Laboratory, Johns Hopkins All Children's Hospital
Classification: Uncertain significance for Hypertrophic cardiomyopathy. Last evaluated: 2015-10-29. Review status: no assertion criteria provided. Collection method: clinical testing. Allele origin: germline. Affected: yes. Not counted in ClinVar's aggregate classification.

NM_005159.5(ACTC1):c.922T>A (p.Tyr308Asn)

Genes: ACTC1 (actin alpha cardiac muscle 1; minus strand), GJD2-DT (GJD2 divergent transcript; plus strand). Cytogenetic location: 15q14.
Variant type: single nucleotide variant.
Coding change: c.922T>A on transcript NM_005159.5 (MANE Select); coding-DNA position 922, T replaced by A.
Protein change: p.Tyr308Asn; replaces tyrosine 308 with asparagine.
Molecular consequence: missense variant.
Genome position (GRCh38, 1-based): chr15:34,791,182, A>T on the plus strand (T>A on the coding strand, the complement: ACTC1 is on the minus strand). VCF-style: chr15-34791182-A-T. GRCh37 (hg19) VCF-style: chr15-35083383-A-T.
Other names: c.922T>A (LRG_388t1); short protein forms Y308N.
Identifiers: ClinVar variation 560608 (VCV000560608.2), dbSNP rs1566967093, ClinGen allele CA391629421.